The following is an entry in ClinVar:

ClinVar aggregate classification (germline): Pathogenic (1 of 4 stars; one submission).

Conditions:
T-cell immunodeficiency, congenital alopecia, and nail dystrophy. Also called: Congenital alopecia and nail dystrophy associated with severe functional T-cell immunodeficiency; Pignata Guarino syndrome. Identifiers: Orphanet 169095, MedGen C1866426, MONDO:0011132, OMIM 601705.

Submission:

Labcorp Genetics (formerly Invitae), Labcorp
Classification: Pathogenic for T-cell immunodeficiency, congenital alopecia, and nail dystrophy. Last evaluated: 2023-06-09. Review status: criteria provided, single submitter. Criteria: Invitae Variant Classification Sherloc (09022015). Collection method: clinical testing. Allele origin: germline.
Comment: For these reasons, this variant has been classified as Pathogenic. This variant has not been reported in the literature in individuals affected with FOXN1-related conditions. This variant is not present in population databases (gnomAD no frequency). This sequence change creates a premature translational stop signal (p.Gln40*) in the FOXN1 gene. It is expected to result in an absent or disrupted protein product. Loss-of-function variants in FOXN1 are known to be pathogenic (PMID: 10206641, 15180707, 31447097).

Literature cited by the submitters: PubMed 10206641; PubMed 15180707; PubMed 31447097.

NM_001369369.1(FOXN1):c.118C>T (p.Gln40Ter)

Gene: FOXN1 (forkhead box N1; plus strand). Cytogenetic location: 17q11.2.
Variant type: single nucleotide variant.
Coding change: c.118C>T on transcript NM_001369369.1 (MANE Select); coding-DNA position 118, C replaced by T.
Protein change: p.Gln40Ter; replaces glutamine 40 with a stop codon.
Molecular consequence: nonsense.
Genome position (GRCh38, 1-based): chr17:28,524,087, C>T. VCF-style: chr17-28524087-C-T. GRCh37 (hg19) VCF-style: chr17-26851105-C-T.
Other names: c.118C>T, p.Gln40Ter (NM_003593.3); short protein forms Q40*.
Identifiers: ClinVar variation 2704650 (VCV002704650.3), dbSNP rs2508348872, ClinGen allele CA398320389.
Genomic context (GRCh38, chr17:28,524,087, plus strand): 5'-GAGGGCGAGCGCCAAGGGGACCTCATGCAGGCACCGGGCCTCCCAGGCTCCCCTGCCCCA[C>T]AGAGTGTAAGTACCCGGCATCTGGGCCTGGGTTTAGGCCAAGGCCTGCGGCTGCCCAGGC-3'